The following is an entry in ClinVar:

ClinVar aggregate classification (germline): Uncertain significance (1 of 4 stars; one submission).

Conditions:
Noonan syndrome (NS). Also called: Noonan's syndrome. Identifiers: Orphanet 648, MedGen C0028326, MeSH D009634, MONDO:0018997. Disease mechanism: gain of function.

Allele frequency attached by ClinVar (database versions not stated): gnomAD exomes 0.00003 and 0.00002; ESP Exome Variant Server 0.00008; ExAC 0.00002; 1000 Genomes Project 30x 0.00016; gnomAD 0.00001; TOPMed 0.00001; 1000 Genomes Project 0.00020.
gnomAD v4.1: 43 of 1,585,588 alleles (0.0027%); highest among the groups gnomAD compares: Non-Finnish European, 0.0032%; no homozygotes.

Submission:

Labcorp Genetics (formerly Invitae), Labcorp
Classification: Uncertain significance for Noonan syndrome. Last evaluated: 2026-01-27. Review status: criteria provided, single submitter. Criteria: Invitae Variant Classification Sherloc (09022015). Collection method: clinical testing. Allele origin: germline.
Comment: This sequence change falls in intron 1 of the RRAS gene. It does not directly change the encoded amino acid sequence of the RRAS protein. It affects a nucleotide within the consensus splice site. This variant is present in population databases (rs200100211, gnomAD 0.009%). This variant has not been reported in the literature in individuals affected with RRAS-related conditions. ClinVar contains an entry for this variant (Variation ID: 1365442). Variants that disrupt the consensus splice site are a relatively common cause of aberrant splicing (PMID: 17576681, 9536098). Algorithms developed to predict the effect of sequence changes on RNA splicing suggest that this variant may disrupt the consensus splice site. In summary, the available evidence is currently insufficient to determine the role of this variant in disease. Therefore, it has been classified as a Variant of Uncertain Significance.

Literature cited by the submitters: PubMed 17576681; PubMed 9536098.

NM_006270.5(RRAS):c.153+3A>G

Gene: RRAS (RAS related; minus strand). Cytogenetic location: 19q13.33.
Variant type: single nucleotide variant.
Coding change: c.153+3A>G on transcript NM_006270.5 (MANE Select); 3 bases into the intron after coding-DNA position 153, A replaced by G.
Molecular consequence: intron variant.
Genome position (GRCh38, 1-based): chr19:49,639,943, T>C on the plus strand (A>G on the coding strand, the complement: RRAS is on the minus strand). VCF-style: chr19-49639943-T-C. GRCh37 (hg19) VCF-style: chr19-50143200-T-C.
Identifiers: ClinVar variation 1365442 (VCV001365442.6), dbSNP rs200100211, ClinGen allele CA9579151.